The following is an entry in ClinVar:

NM_000138.5(FBN1):c.7292C>G (p.Thr2431Ser)

Gene: FBN1 (fibrillin 1; minus strand). Cytogenetic location: 15q21.1.
Variant type: single nucleotide variant.
Coding change: c.7292C>G on transcript NM_000138.5 (MANE Select); coding-DNA position 7292, C replaced by G.
Protein change: p.Thr2431Ser; replaces threonine 2431 with serine.
Molecular consequence: missense variant.
Genome position (GRCh38, 1-based): chr15:48,425,777, G>C on the plus strand (C>G on the coding strand, the complement: FBN1 is on the minus strand). VCF-style: chr15-48425777-G-C. GRCh37 (hg19) VCF-style: chr15-48717974-G-C.
Other names: c.7292C>G, p.Thr2431Ser (NM_001406716.1); short protein forms T2431S.
Identifiers: ClinVar variation 4756288 (VCV004756288.1).

ClinVar aggregate classification (germline): Uncertain significance (1 of 4 stars; one submission).

Conditions:
Familial thoracic aortic aneurysm and aortic dissection (TAAD). Also called: Thoracic aortic aneurysms and dissections. Identifiers: Orphanet 91387, MedGen C4707243, MONDO:0019625.

Submission:

Color Diagnostics, LLC DBA Color Health
Classification: Uncertain significance for Familial thoracic aortic aneurysm and aortic dissection. Last evaluated: 2025-09-01. Review status: criteria provided, single submitter. Criteria: ACMG Guidelines, 2015. Collection method: clinical testing. Allele origin: germline.
Comment: This missense variant replaces threonine with serine at codon 2431 of the FBN1 protein. Computational prediction suggests that this variant may not impact protein structure and function. To our knowledge, functional studies have not been reported for this variant. This variant has not been reported in individuals affected with FBN1-related disorders in the literature. This variant has not been identified in the general population by the Genome Aggregation Database (gnomAD). The available evidence is insufficient to determine the role of this variant in disease conclusively. Therefore, this variant is classified as a Variant of Uncertain Significance.